The following is an entry in ClinVar:

NM_006218.4(PIK3CA):c.1306C>G (p.Leu436Val)

Gene: PIK3CA (phosphatidylinositol-4,5-bisphosphate 3-kinase catalytic subunit alpha; plus strand). Cytogenetic location: 3q26.32.
Variant type: single nucleotide variant.
Coding change: c.1306C>G on transcript NM_006218.4 (MANE Select); coding-DNA position 1306, C replaced by G.
Protein change: p.Leu436Val; replaces leucine 436 with valine.
Molecular consequence: missense variant.
Genome position (GRCh38, 1-based): chr3:179,210,240, C>G. VCF-style: chr3-179210240-C-G. GRCh37 (hg19) VCF-style: chr3-178928028-C-G.
Other names: short protein forms L436V.
Identifiers: ClinVar variation 1374306 (VCV001374306.8), dbSNP rs1365836230, ClinGen allele CA355261721.

ClinVar aggregate classification (germline): Uncertain significance (1 of 4 stars; one submission).

Conditions:
Cowden syndrome (CS). Also called: Cowden's disease; Cowden's syndrome; Cowden disease. Identifiers: Orphanet 201, MedGen C0018553, MONDO:0016063. Disease mechanism: gain of function.

Submission:

Labcorp Genetics (formerly Invitae), Labcorp
Classification: Uncertain significance for Cowden syndrome. Last evaluated: 2022-08-23. Review status: criteria provided, single submitter. Criteria: Invitae Variant Classification Sherloc (09022015). Collection method: clinical testing. Allele origin: germline.
Comment: This sequence change replaces leucine, which is neutral and non-polar, with valine, which is neutral and non-polar, at codon 436 of the PIK3CA protein (p.Leu436Val). This variant is not present in population databases (gnomAD no frequency). This variant has not been reported in the literature in individuals affected with PIK3CA-related conditions. ClinVar contains an entry for this variant (Variation ID: 1374306). Algorithms developed to predict the effect of missense changes on protein structure and function are either unavailable or do not agree on the potential impact of this missense change (SIFT: "Tolerated"; PolyPhen-2: "Probably Damaging"; Align-GVGD: "Class C15"). In summary, the available evidence is currently insufficient to determine the role of this variant in disease. Therefore, it has been classified as a Variant of Uncertain Significance.